The following is an entry in ClinVar:

NM_018993.4(RIN2):c.2436C>T (p.Tyr812=)

Gene: RIN2 (Ras and Rab interactor 2; plus strand). Cytogenetic location: 20p11.23.
Variant type: single nucleotide variant.
Coding change: c.2436C>T on transcript NM_018993.4 (MANE Select); coding-DNA position 2436, C replaced by T.
Protein change: p.Tyr812=; no amino-acid change (tyrosine 812 retained).
Molecular consequence: synonymous variant.
Genome position (GRCh38, 1-based): chr20:20,000,684, C>T. VCF-style: chr20-20000684-C-T. GRCh37 (hg19) VCF-style: chr20-19981328-C-T.
Other names: c.2583C>T, p.Tyr861= (NM_001242581.2); c.1818C>T, p.Tyr606= (NM_001378238.1).
Identifiers: ClinVar variation 436538 (VCV000436538.12), dbSNP rs540923982, ClinGen allele CA9780304.

ClinVar aggregate classification (germline): Benign/Likely benign. Review status: criteria provided, multiple submitters, no conflicts (2 of 4 stars). 4 submissions from 4 submitters: Benign (1); Likely benign (3). Last evaluated 2025-11-11.

Conditions:
RIN2 syndrome. Also called: TALL FOREHEAD, SPARSE HAIR, SKIN HYPEREXTENSIBILITY, AND SCOLIOSIS; MACS SYNDROME. Identifiers: Orphanet 217335, MedGen C2751321, MONDO:0013115, OMIM 613075.

Allele frequency attached by ClinVar (database versions not stated): gnomAD exomes 0.00006 and 0.00036; gnomAD 0.00007; TOPMed 0.00009; 1000 Genomes Project 30x 0.00016; 1000 Genomes Project 0.00020; ExAC 0.00024.
gnomAD v4.1: 99 of 1,613,810 alleles (0.0061%); highest among the groups gnomAD compares: East Asian, 0.2%; no homozygotes.

Submissions (4):

Labcorp Genetics (formerly Invitae), Labcorp
Classification: Benign. Last evaluated: 2025-11-11. Review status: criteria provided, single submitter. Criteria: Invitae Variant Classification Sherloc (09022015). Collection method: clinical testing. Allele origin: germline.

Fulgent Genetics
Classification: Likely benign for RIN2 syndrome. Last evaluated: 2021-11-12. Review status: criteria provided, single submitter. Criteria: ACMG Guidelines, 2015. Collection method: clinical testing. Allele origin: unknown.

GeneDx
Classification: Likely benign. Last evaluated: 2018-04-26. Review status: criteria provided, single submitter. Criteria: GeneDx Variant Classification (06012015). Collection method: clinical testing. Allele origin: germline. Affected: yes.
Comment: This variant is considered likely benign or benign based on one or more of the following criteria: it is a conservative change, it occurs at a poorly conserved position in the protein, it is predicted to be benign by multiple in silico algorithms, and/or has population frequency not consistent with disease.

Genetic Services Laboratory, University of Chicago
Classification: Likely benign. Last evaluated: 2016-03-17. Review status: criteria provided, single submitter. Criteria: ACMG Guidelines, 2015. Collection method: clinical testing. Allele origin: germline. Affected: no.